The following is an entry in ClinVar:

NM_000257.4(MYH7):c.5757G>C (p.Lys1919Asn)

Gene: MYH7 (myosin heavy chain 7; minus strand). Cytogenetic location: 14q11.2.
Variant type: single nucleotide variant.
Coding change: c.5757G>C on transcript NM_000257.4 (MANE Select); coding-DNA position 5757, G replaced by C.
Protein change: p.Lys1919Asn; replaces lysine 1919 with asparagine.
Molecular consequence: missense variant.
Genome position (GRCh38, 1-based): chr14:23,413,792, C>G on the plus strand (G>C on the coding strand, the complement: MYH7 is on the minus strand). VCF-style: chr14-23413792-C-G. GRCh37 (hg19) VCF-style: chr14-23883001-C-G.
Other names: c.5757G>C (LRG_384t1); short protein forms K1919N.
Identifiers: ClinVar variation 518640 (VCV000518640.18), dbSNP rs1343372308, ClinGen allele CA389034537.

ClinVar aggregate classification (germline): Uncertain significance. Review status: criteria provided, multiple submitters, no conflicts (2 of 4 stars). 6 submissions from 6 submitters: Uncertain significance (6). Last evaluated 2026-02-11.

Conditions:
Cardiovascular phenotype. Identifiers: MedGen CN230736.
Cardiomyopathy (CMYO). Also called: Cardiomyopathies. Identifiers: Orphanet 167848, MedGen C0878544, MONDO:0004994, HP:0001638. Inheritance: Various modes of inheritance.
Hypertrophic cardiomyopathy. Also called: HYPERTROPHIC MYOCARDIOPATHY. Identifiers: Orphanet 217569, MedGen C0007194, MeSH D002312, MONDO:0005045, HP:0001639.

Allele frequency attached by ClinVar (database versions not stated): gnomAD exomes below 0.00001; gnomAD 0.00001; TOPMed 0.00002.
gnomAD v4.1: 3 of 1,614,124 alleles (0.00019%); highest among the groups gnomAD compares: African/African-American, 0.004%; no homozygotes.

Submissions (6):

Ambry Genetics
Classification: Uncertain significance for Cardiovascular phenotype. Last evaluated: 2026-02-11. Review status: criteria provided, single submitter. Criteria: Ambry Variant Classification Scheme 2023. Collection method: clinical testing. Allele origin: germline.
Comment: The p.K1919N variant (also known as c.5757G>C), located in coding exon 37 of the MYH7 gene, results from a G to C substitution at nucleotide position 5757. The lysine at codon 1919 is replaced by asparagine, an amino acid with similar properties. This alteration was reported in both cases and controls in a hypertrophic cardiomyopathy (HCM) cohort (Van Driest SL et al. J. Am. Coll. Cardiol., 2004 Aug;44:602-10). This amino acid position is highly conserved in available vertebrate species. In addition, this alteration is predicted to be tolerated by in silico analysis. Based on the available evidence, the clinical significance of this variant remains unclear.

Labcorp Genetics (formerly Invitae), Labcorp
Classification: Uncertain significance for Hypertrophic cardiomyopathy. Last evaluated: 2025-12-09. Review status: criteria provided, single submitter. Criteria: Invitae Variant Classification Sherloc (09022015). Collection method: clinical testing. Allele origin: germline.
Comment: This sequence change replaces lysine, which is basic and polar, with asparagine, which is neutral and polar, at codon 1919 of the MYH7 protein (p.Lys1919Asn). This variant is not present in population databases (gnomAD no frequency). This missense change has been observed in individual(s) with hypertrophic cardiomyopathy (PMID: 15358028). ClinVar contains an entry for this variant (Variation ID: 518640). Invitae Evidence Modeling of protein sequence and biophysical properties (such as structural, functional, and spatial information, amino acid conservation, physicochemical variation, residue mobility, and thermodynamic stability) indicates that this missense variant is expected to disrupt MYH7 protein function with a positive predictive value of 95%. In summary, the available evidence is currently insufficient to determine the role of this variant in disease. Therefore, it has been classified as a Variant of Uncertain Significance.

GeneDx
Classification: Uncertain significance. Last evaluated: 2024-02-08. Review status: criteria provided, single submitter. Criteria: GeneDx Variant Classification Process June 2021. Collection method: clinical testing. Allele origin: germline. Affected: yes.
Comment: Reported in patients with hypertrophic cardiomyopathy and in a control individuals (PMID: 15358028, 34542152); Not observed at significant frequency in large population cohorts (gnomAD); In silico analysis supports that this missense variant has a deleterious effect on protein structure/function; This variant is associated with the following publications: (PMID: 34542152, 15358028)

All of Us Research Program, National Institutes of Health
Classification: Uncertain significance for Cardiomyopathy. Last evaluated: 2024-01-11. Review status: criteria provided, single submitter. Criteria: ACMG Guidelines, 2015. Collection method: clinical testing. Allele origin: germline. Inheritance: Autosomal dominant inheritance. Observed: 5 variant alleles, 5 heterozygotes.
Comment: This missense variant replaces lysine with asparagine at codon 1919 of the MYH7 protein. Computational prediction is inconclusive regarding the impact of this variant on protein structure and function (internally defined REVEL score threshold 0.5 < inconclusive < 0.7, PMID: 27666373). To our knowledge, functional studies have not been reported for this variant. This variant has been reported in an individual affected with hypertrophic cardiomyopathy (PMID: 15358028) and in an individual affected with sudden cardiac arrest (PMID: 37194601). This variant has not been identified in the general population by the Genome Aggregation Database (gnomAD). The available evidence is insufficient to determine the role of this variant in disease conclusively. Therefore, this variant is classified as a Variant of Uncertain Significance.

This study involves interpretation of variants in research participants for the purpose of population health screening. Participant phenotype was not available at the time of variant classification. Additional details can be found in publication PMID: 35346344, PMCID: PMC8962531

Blueprint Genetics
Classification: Uncertain significance. Last evaluated: 2022-03-25. Review status: criteria provided, single submitter. Criteria: ACMG Guidelines, 2015. Collection method: clinical testing. Allele origin: germline.

CHEO Genetics Diagnostic Laboratory, Children's Hospital of Eastern Ontario
Classification: Uncertain significance for Cardiomyopathy. Last evaluated: 2021-10-19. Review status: criteria provided, single submitter. Criteria: ACMG Guidelines, 2015. Collection method: clinical testing. Allele origin: germline.

Literature cited by the submitters: PubMed 15358028 (cited by 3 submitters); PubMed 37194601 (cited by All of Us Research Program, National Institutes of Health).